The following is an entry in ClinVar:

NM_001110556.2(FLNA):c.1159C>T (p.Gln387Ter)

Gene: FLNA (filamin A; minus strand). Cytogenetic location: Xq28.
Variant type: single nucleotide variant.
Coding change: c.1159C>T on transcript NM_001110556.2 (MANE Select); coding-DNA position 1159, C replaced by T.
Protein change: p.Gln387Ter; replaces glutamine 387 with a stop codon.
Molecular consequence: nonsense.
Genome position (GRCh38, 1-based): chrX:154,366,377, G>A on the plus strand (C>T on the coding strand, the complement: FLNA is on the minus strand). VCF-style: chrX-154366377-G-A. GRCh37 (hg19) VCF-style: chrX-153594745-G-A.
Other names: c.1159C>T, p.Gln387Ter (NM_001456.4); short protein forms Q387*.
Identifiers: ClinVar variation 864458 (VCV000864458.3), dbSNP rs2067760741, ClinGen allele CA415244422.
Genomic context (GRCh38, chrX:154,366,377, plus strand): 5'-AGATCTCAAAGTAGGTGGTCTTGTTGGCGATGTTGCCACTGGGCTCCAGGCCGGGACCTT[G>A]GGCTGTCACTTTGCTGGCGTCACCCTGTGACTTATCCACGTACACCTCGAAGGGGCTCTT-3'

ClinVar aggregate classification (germline): Pathogenic (1 of 4 stars; one submission).

Conditions:
Frontometaphyseal dysplasia (FMD1). Identifiers: Orphanet 1826, MedGen C0265293, MONDO:0015942.
Oto-palato-digital syndrome, type II (OPD2). Also called: FACIOPALATOOSSEOUS SYNDROME; OPD II SYNDROME; Otopalatodigital Syndrome, Type II; Otopalatodigital Syndrome Type 2 (FLNA-OPD2). Identifiers: Orphanet 669, Orphanet 90652, MedGen C1844696, MONDO:0010571, OMIM 304120.
Heterotopia, periventricular, X-linked dominant (PVNH1). Also called: PERIVENTRICULAR NODULAR HETEROTOPIA 1; X-linked periventricular heterotopia; PERIVENTRICULAR NODULAR HETEROTOPIA 4; HETEROTOPIA, PERIVENTRICULAR, 1. Identifiers: Orphanet 2149, Orphanet 82004, MedGen C1848213, MONDO:0010233, OMIM 300049.
Melnick-Needles syndrome (MNS). Also called: MELNICK-NEEDLES OSTEODYSPLASTY; OSTEODYSPLASTY OF MELNICK AND NEEDLES; Melnick-Needles Syndrome (FLNA-MNS). Identifiers: Orphanet 2484, MedGen C0025237, MONDO:0010650, OMIM 309350.

Submission:

Labcorp Genetics (formerly Invitae), Labcorp
Classification: Pathogenic for Oto-palato-digital syndrome, type II; Heterotopia, periventricular, X-linked dominant; Frontometaphyseal dysplasia; Melnick-Needles syndrome. Last evaluated: 2020-02-10. Review status: criteria provided, single submitter. Criteria: Invitae Variant Classification Sherloc (09022015). Collection method: clinical testing. Allele origin: germline.
Comment: This sequence change creates a premature translational stop signal (p.Gln387*) in the FLNA gene. It is expected to result in an absent or disrupted protein product. This variant is not present in population databases (ExAC no frequency). This variant has not been reported in the literature in individuals with FLNA-related conditions. Loss-of-function variants in FLNA are known to be pathogenic (PMID: 16684786, 20730588, 26471271). For these reasons, this variant has been classified as Pathogenic.

Literature cited by the submitters: PubMed 16684786; PubMed 20730588; PubMed 26471271.